The following is an entry in ClinVar:

ClinVar aggregate classification (germline): Uncertain significance (1 of 4 stars; one submission).

Conditions:
Cohen syndrome (COH1). Also called: Cutis verticis gyrata, retinitis pigmentosa, and sensorineural deafness; PEPPER SYNDROME. Identifiers: Orphanet 193, MedGen C0265223, MONDO:0008999, OMIM 216550.

Submission:

Labcorp Genetics (formerly Invitae), Labcorp
Classification: Uncertain significance for Cohen syndrome. Last evaluated: 2022-07-17. Review status: criteria provided, single submitter. Criteria: Invitae Variant Classification Sherloc (09022015). Collection method: clinical testing. Allele origin: germline.
Comment: Algorithms developed to predict the effect of missense changes on protein structure and function are either unavailable or do not agree on the potential impact of this missense change (SIFT: "Not Available"; PolyPhen-2: "Possibly Damaging"; Align-GVGD: "Not Available"). This sequence change replaces proline, which is neutral and non-polar, with alanine, which is neutral and non-polar, at codon 2354 of the VPS13B protein (p.Pro2354Ala). This variant is not present in population databases (gnomAD no frequency). This variant has not been reported in the literature in individuals affected with VPS13B-related conditions. In summary, the available evidence is currently insufficient to determine the role of this variant in disease. Therefore, it has been classified as a Variant of Uncertain Significance.

NM_152564.5(VPS13B):c.6985C>G (p.Pro2329Ala)

Gene: VPS13B (vacuolar protein sorting 13 homolog B; plus strand). Cytogenetic location: 8q22.2.
Variant type: single nucleotide variant.
Coding change: c.6985C>G on transcript NM_152564.5 (MANE Select); coding-DNA position 6985, C replaced by G.
Protein change: p.Pro2329Ala; replaces proline 2329 with alanine.
Molecular consequence: missense variant.
Genome position (GRCh38, 1-based): chr8:99,720,982, C>G. VCF-style: chr8-99720982-C-G. GRCh37 (hg19) VCF-style: chr8-100733210-C-G.
Other names: c.7060C>G, p.Pro2354Ala (NM_017890.5); short protein forms P2329A, P2354A.
Identifiers: ClinVar variation 1946745 (VCV001946745.5), dbSNP rs2491580535, ClinGen allele CA371868555.